The following is an entry in ClinVar:

ClinVar aggregate classification (germline): Uncertain significance (3 of 4 stars; one submission).

Conditions:
Monogenic diabetes. Identifiers: Orphanet 183625, MedGen C3888631, MONDO:0015967.

Submission:

ClinGen Monogenic Diabetes Variant Curation Expert Panel
Classification: Uncertain significance for Monogenic diabetes. Last evaluated: 2024-10-14. Review status: reviewed by expert panel. Criteria: ClinGen Diabetes ACMG Specifications HNF1A V2.1.0. Collection method: curation. Allele origin: germline. Inheritance: Autosomal dominant inheritance.
Comment: The c.326+4A>C variant in the HNF1 homeobox A gene, HNF1A, alters a nucleotide two base pairs downstream of the canonical splice donor site in intron 1 of transcript NM_000545.8. The computational splicing predictor SpliceAI gives a score of 0.20 for donor loss, predicting that the c.326+4A>C variant may disrupt splicing at the donor site of intron 1 of HNF1A (PP3). This variant is absent from gnomAD v2.1.1 and v4.1 (PM2_Supporting). This variant was also identified in an individual with a clinical history highly specific for HNF1A-MODY (MODY probability calculator result >50%, negative genetic testing for HNF4A, and negative antibodies) (PP4_Moderate; internal lab contributors). This variant segregated with diabetes with two informative meioses in a single family; however, this does not meet the thresholds for PP1 set by the ClinGen MDEP (internal lab contributors). In summary, c.326+4A>C meets the criteria to be classified as a variant of uncertain significance for monogenic diabetes. ACMG/AMP criteria applied, as specified by the ClinGen MDEP (specification version 2.1.0, approved 8/11/2023): PP3, PP4_Moderate, PM2_Supporting.

NM_000545.8(HNF1A):c.326+4A>C

Gene: HNF1A (HNF1 homeobox A; plus strand). Cytogenetic location: 12q24.31.
Variant type: single nucleotide variant.
Coding change: c.326+4A>C on transcript NM_000545.8 (MANE Select); 4 bases into the intron after coding-DNA position 326, A replaced by C.
Molecular consequence: intron variant.
Genome position (GRCh38, 1-based): chr12:120,979,098, A>C. VCF-style: chr12-120979098-A-C. GRCh37 (hg19) VCF-style: chr12-121416901-A-C.
Other names: NM_001306179.2:c.326+4A>C; c.326+4A>C (NM_001306179.2, NM_001406915.1).
Identifiers: ClinVar variation 3370445 (VCV003370445.1).